The following is an entry in ClinVar:

NM_173477.5(USH1G):c.851C>G (p.Ser284Cys)

Gene: USH1G (USH1 protein network component sans; minus strand). Cytogenetic location: 17q25.1.
Variant type: single nucleotide variant.
Coding change: c.851C>G on transcript NM_173477.5 (MANE Select); coding-DNA position 851, C replaced by G.
Protein change: p.Ser284Cys; replaces serine 284 with cysteine.
Molecular consequence: missense variant.
Genome position (GRCh38, 1-based): chr17:74,919,985, G>C on the plus strand (C>G on the coding strand, the complement: USH1G is on the minus strand). VCF-style: chr17-74919985-G-C. GRCh37 (hg19) VCF-style: chr17-72916080-G-C.
Other names: c.542C>G, p.Ser181Cys (NM_001282489.3); short protein forms S181C, S284C.
Identifiers: ClinVar variation 1375376 (VCV001375376.6), dbSNP rs1329441112, ClinGen allele CA400962947.

ClinVar aggregate classification (germline): Uncertain significance (1 of 4 stars; one submission).

Submission:

Labcorp Genetics (formerly Invitae), Labcorp
Classification: Uncertain significance. Last evaluated: 2022-11-03. Review status: criteria provided, single submitter. Criteria: Invitae Variant Classification Sherloc (09022015). Collection method: clinical testing. Allele origin: germline.
Comment: In summary, the available evidence is currently insufficient to determine the role of this variant in disease. Therefore, it has been classified as a Variant of Uncertain Significance. Advanced modeling of protein sequence and biophysical properties (such as structural, functional, and spatial information, amino acid conservation, physicochemical variation, residue mobility, and thermodynamic stability) performed at Invitae indicates that this missense variant is not expected to disrupt USH1G protein function. ClinVar contains an entry for this variant (Variation ID: 1375376). This variant has not been reported in the literature in individuals affected with USH1G-related conditions. This variant is not present in population databases (gnomAD no frequency). This sequence change replaces serine, which is neutral and polar, with cysteine, which is neutral and slightly polar, at codon 284 of the USH1G protein (p.Ser284Cys).